The following is an entry in ClinVar:

NC_000023.10:g.(32503217_32509393)_(32662431_32663080)del

Gene: DMD (dystrophin; minus strand). Cytogenetic location: Xp21.1.
Variant type: Deletion.
Identifiers: ClinVar variation 4536114 (VCV004536114.1).

ClinVar aggregate classification (germline): Pathogenic (1 of 4 stars; one submission).

Conditions:
Neuromuscular disease caused by qualitative or quantitative defects of dystrophin. Also called: Qualitative or quantitative defects of dystrophin. Identifiers: Orphanet 207085, MedGen C5679787, MONDO:0016147.

Submission:

Women's Health and Genetics/Laboratory Corporation of America, LabCorp
Classification: Pathogenic for Neuromuscular disease caused by qualitative or quantitative defects of dystrophin. Last evaluated: 2025-09-19. Review status: criteria provided, single submitter. Criteria: LabCorp Variant Classification Summary - May 2015. Collection method: clinical testing. Allele origin: germline.
Comment: Variant summary: The variant involves the deletion of exons 11-20 in the DMD gene. A presumed nomenclature of c.(1149+1_1150-1)_(2622+1_2623-1)del has been designated for the purposes of this classification. This Copy Number Variant (CNV) is predicted to result in an in-frame deletion within this gene. Loss-of-function variants in this gene are known to be pathogenic. Multiple variants within the deleted region have been classified as Pathogenic by our lab/in ClinVar (e.g. Deletion of Exon 13), providing evidence that the region altered by the variant is critical to protein function. The variant was absent in 16086 control chromosomes. To our knowledge, no occurrence of c.(1149+1_1150-1)_(2622+1_2623-1)del in individuals affected with DMD-related conditions and no experimental evidence demonstrating its impact on protein function have been reported. No submitters have cited clinical-significance assessments for this variant to ClinVar. Based on the evidence outlined above, the variant was classified as pathogenic.